The following is an entry in ClinVar:

NM_013437.5(LRP12):c.883C>T (p.Arg295Cys)

Gene: LRP12 (LDL receptor related protein 12; minus strand). Cytogenetic location: 8q22.3.
Variant type: single nucleotide variant.
Coding change: c.883C>T on transcript NM_013437.5 (MANE Select); coding-DNA position 883, C replaced by T.
Protein change: p.Arg295Cys; replaces arginine 295 with cysteine.
Molecular consequence: missense variant.
Genome position (GRCh38, 1-based): chr8:104,497,669, G>A on the plus strand (C>T on the coding strand, the complement: LRP12 is on the minus strand). VCF-style: chr8-104497669-G-A. GRCh37 (hg19) VCF-style: chr8-105509897-G-A.
Other names: c.826C>T, p.Arg276Cys (NM_001135703.3); short protein forms R276C, R295C.
Identifiers: ClinVar variation 4881389 (VCV004881389.2).

ClinVar aggregate classification (germline): Uncertain significance (1 of 4 stars; one submission).

Conditions:
Oculopharyngodistal myopathy 1 (OPDM1). Also called: FACIOOCULOLARYNGOPHARYNGEAL MYOPATHY WITH DISTAL AND RESPIRATORY INVOLVEMENT. Identifiers: MedGen C5231388, MONDO:0020793, OMIM 164310.

Submission:

Dasa
Classification: Uncertain significance for Oculopharyngodistal myopathy 1. Last evaluated: 2025-06-30. Review status: criteria provided, single submitter. Criteria: DASA Assertion Criteria. Collection method: clinical testing. Allele origin: germline.
Comment: NM_013437.5(LRP12):c.883C>T (p.Arg295Cys) is a missense variant that results in the substitution of arginine with cysteine. This variant is rare in population databases. The currently available literature and clinical evidence are not sufficient to establish a definitive association between this variant and the reported condition. Therefore, this variant is classified as a variant of uncertain significance.